The following is an entry in ClinVar:

NM_000257.4(MYH7):c.5110C>A (p.Gln1704Lys)

Genes: MHRT (myosin heavy chain associated RNA transcript; plus strand), MYH7 (myosin heavy chain 7; minus strand), LOC126861897 (BRD4-independent group 4 enhancer GRCh37_chr14:23884455-23885654; plus strand). Cytogenetic location: 14q11.2.
Variant type: single nucleotide variant.
Coding change: c.5110C>A on transcript NM_000257.4 (MANE Select); coding-DNA position 5110, C replaced by A.
Protein change: p.Gln1704Lys; replaces glutamine 1704 with lysine.
Molecular consequence: missense variant. On other transcripts: non-coding transcript variant (1).
Genome position (GRCh38, 1-based): chr14:23,415,676, G>T on the plus strand (C>A on the coding strand, the complement: MYH7 is on the minus strand). VCF-style: chr14-23415676-G-T. GRCh37 (hg19) VCF-style: chr14-23884885-G-T.
Other names: c.5110C>A, p.Gln1704Lys (NM_001407004.1); short protein forms Q1704K.
Identifiers: ClinVar variation 3230915 (VCV003230915.1), dbSNP rs727504844, ClinGen allele CA389036943.
Genomic context (GRCh38, chr14:23,415,676, plus strand): 5'-GGGAGCTGCTCACCTGGGAATGCAGCAGCTGCACCCGCTCACTAGTCTCAATCAGCTCCT[G>T]CTCCGCCAGCTTCCGGGACCGCTCTGTCTGCTCCACCACGGCACGCAACTCCTCCAGCTC-3'
Protein context (NP_000248.2, residues 1694-1714): QTERSRKLAE[Gln1704Lys]ELIETSERVQ

ClinVar aggregate classification (germline): Uncertain significance (1 of 4 stars; one submission).

Conditions:
Cardiovascular phenotype. Identifiers: MedGen CN230736.

Submission:

Ambry Genetics
Classification: Uncertain significance for Cardiovascular phenotype. Last evaluated: 2024-03-07. Review status: criteria provided, single submitter. Criteria: Ambry Variant Classification Scheme 2023. Collection method: clinical testing. Allele origin: germline.
Comment: The p.Q1704K variant (also known as c.5110C>A), located in coding exon 33 of the MYH7 gene, results from a C to A substitution at nucleotide position 5110. The glutamine at codon 1704 is replaced by lysine, an amino acid with similar properties. This amino acid position is highly conserved in available vertebrate species. In addition, the in silico prediction for this alteration is inconclusive. Based on the available evidence, the clinical significance of this alteration remains unclear.